The following is an entry in ClinVar:

NM_001037333.3(CYFIP2):c.499A>G (p.Met167Val)

Gene: CYFIP2 (cytoplasmic FMR1 interacting protein 2; plus strand). Cytogenetic location: 5q33.3.
Variant type: single nucleotide variant.
Coding change: c.499A>G on transcript NM_001037333.3 (MANE Select); coding-DNA position 499, A replaced by G.
Protein change: p.Met167Val; replaces methionine 167 with valine.
Molecular consequence: missense variant.
Genome position (GRCh38, 1-based): chr5:157,300,826, A>G. VCF-style: chr5-157300826-A-G. GRCh37 (hg19) VCF-style: chr5-156727834-A-G.
Other names: c.421A>G, p.Met141Val (NM_001291721.2); c.499A>G, p.Met167Val (NM_001291722.2, NM_014376.4); short protein forms M141V, M167V.
Identifiers: ClinVar variation 4777538 (VCV004777538.1).
Genomic context (GRCh38, chr5:157,300,826, plus strand): 5'-GAGCGCAGGAAGGACTTTGTCTCTGAGGCCTACCTCCTGACCCTTGGCAAGTTCATCAAC[A>G]TGTTTGCTGTCCTGGATGAGCTAAAGAACATGAAGTGCAGCGTCAAGAATGACCACTCTG-3'
Protein context (NP_001032410.1, residues 157-177): YLLTLGKFIN[Met167Val]FAVLDELKNM

ClinVar aggregate classification (germline): Uncertain significance (1 of 4 stars; one submission).

Submission:

Labcorp Genetics (formerly Invitae), Labcorp
Classification: Uncertain significance. Last evaluated: 2025-07-27. Review status: criteria provided, single submitter. Criteria: Invitae Variant Classification Sherloc (09022015). Collection method: clinical testing. Allele origin: germline.
Comment: This sequence change replaces methionine, which is neutral and non-polar, with valine, which is neutral and non-polar, at codon 167 of the CYFIP2 protein (p.Met167Val). This variant is not present in population databases (gnomAD no frequency). This variant has not been reported in the literature in individuals affected with CYFIP2-related conditions. Experimental studies and prediction algorithms are not available or were not evaluated, and the functional significance of this variant is currently unknown. In summary, the available evidence is currently insufficient to determine the role of this variant in disease. Therefore, it has been classified as a Variant of Uncertain Significance.